The following is an entry in ClinVar:

ClinVar aggregate classification (germline): Uncertain significance. Review status: criteria provided, multiple submitters, no conflicts (2 of 4 stars). 3 submissions from 3 submitters: Uncertain significance (3). Last evaluated 2025-01-06.

Conditions:
Developmental and epileptic encephalopathy, 9 (DEE9). Also called: EPILEPSY, FEMALE-RESTRICTED, WITH MENTAL RETARDATION; Early infantile epileptic encephalopathy 9; PCDH19-Related X-Linked Female-Limited Epilepsy with Mental Retardation; JUBERG-HELLMAN SYNDROME. Identifiers: Orphanet 101039, Orphanet 2076, MedGen C1848137, MONDO:0010246, OMIM 300088. Disease mechanism: loss of function.
PCDH19-related disorder. Also called: PCDH19-related condition.
Inborn genetic diseases. Identifiers: MedGen C0950123, MeSH D030342.

Submissions (3):

PreventionGenetics, part of Exact Sciences
Classification: Uncertain significance for PCDH19-related condition. Last evaluated: 2025-01-06. Review status: criteria provided, single submitter. Criteria: ACMG Guidelines, 2015. Collection method: clinical testing. Allele origin: germline.
Comment: The PCDH19 c.34_36dupCTG variant is predicted to result in an in-frame duplication (p.Leu12dup). To our knowledge, this variant has not been reported in the literature or in a large population database (gnomAD), indicating this variant is rare. At this time, the clinical significance of this variant is uncertain due to the absence of conclusive functional and genetic evidence.

Labcorp Genetics (formerly Invitae), Labcorp
Classification: Uncertain significance for Developmental and epileptic encephalopathy, 9. Last evaluated: 2024-02-05. Review status: criteria provided, single submitter. Criteria: Invitae Variant Classification Sherloc (09022015). Collection method: clinical testing. Allele origin: germline.
Comment: This variant, c.34_36dup, results in the insertion of 1 amino acid(s) of the PCDH19 protein (p.Leu12dup), but otherwise preserves the integrity of the reading frame. This variant is not present in population databases (gnomAD no frequency). This variant has not been reported in the literature in individuals affected with PCDH19-related conditions. ClinVar contains an entry for this variant (Variation ID: 2141036). Experimental studies and prediction algorithms are not available or were not evaluated, and the functional significance of this variant is currently unknown. In summary, the available evidence is currently insufficient to determine the role of this variant in disease. Therefore, it has been classified as a Variant of Uncertain Significance.

Ambry Genetics
Classification: Uncertain significance for Inborn genetic diseases. Last evaluated: 2023-01-10. Review status: criteria provided, single submitter. Criteria: Ambry Variant Classification Scheme 2023. Collection method: clinical testing. Allele origin: germline.
Comment: The c.34_36dupCTG (p.L12dup) alteration is located in exon 1 (coding exon 1) of the PCDH19 gene. The alteration consists of an in-frame duplication of 3 nucleotides from position 34 to 36, resulting in the duplication of <NA> residues. Based on insufficient or conflicting evidence, the clinical significance of this alteration remains unclear.

NM_001184880.2(PCDH19):c.25CTG[5] (p.Leu12_Ala13insLeu)

Gene: PCDH19 (protocadherin 19; minus strand). Cytogenetic location: Xq22.1.
Variant type: Microsatellite.
Coding change: c.25CTG[5] on transcript NM_001184880.2 (MANE Select); five copies in a row of the 3-base unit CTG starting at c.25; the reference has four copies in a row; one copy, 3 bases duplicated.
Protein change: p.Leu12_Ala13insLeu.
Molecular consequence: inframe insertion.
Genome position (GRCh38, 1-based): chrX:100,408,562-100,408,564, CAG duplicated on the plus strand (CTG on the coding strand, the reverse complement: PCDH19 is on the minus strand); duplicating any 3 consecutive bases within chrX:100,408,562-100,408,575 gives the same sequence; the position shown is the placement nearest the transcript's 3' end. VCF-style (leftmost placement, unchanged base first): chrX-100408561-C-CCAG. GRCh37 (hg19) VCF-style: chrX-99663559-C-CCAG.
Other names: c.25CTG[5], p.Leu12_Ala13insLeu (NM_001105243.2, NM_020766.3); c.34_36dupCTG (NM_001184880.1).
Identifiers: ClinVar variation 2141036 (VCV002141036.7), dbSNP rs770510483, ClinGen allele CA1135788556.